The following is an entry in ClinVar:

ClinVar aggregate classification (germline): Uncertain significance. Review status: criteria provided, multiple submitters, no conflicts (2 of 4 stars). 2 submissions from 2 submitters: Uncertain significance (2). Last evaluated 2024-11-13.

Conditions:
Hereditary cancer-predisposing syndrome. Also called: Hereditary neoplastic syndrome; Neoplastic Syndromes, Hereditary; Tumor predisposition; Hereditary Cancer Syndrome. Identifiers: Orphanet 140162, MedGen C0027672, MeSH D009386, MONDO:0015356.
Juvenile polyposis syndrome (JPS). Identifiers: Orphanet 2929, MedGen C0345893, MONDO:0017380, OMIM 174900.

Submissions (2):

Ambry Genetics
Classification: Uncertain significance for Hereditary cancer-predisposing syndrome. Last evaluated: 2024-11-13. Review status: criteria provided, single submitter. Criteria: Ambry Variant Classification Scheme 2023. Collection method: clinical testing. Allele origin: germline.
Comment: The p.H506Y variant (also known as c.1516C>T), located in coding exon 11 of the BMPR1A gene, results from a C to T substitution at nucleotide position 1516. The histidine at codon 506 is replaced by tyrosine, an amino acid with similar properties. This amino acid position is well conserved in available vertebrate species. In addition, the in silico prediction for this alteration is inconclusive. Based on the available evidence, the clinical significance of this variant remains unclear.

Labcorp Genetics (formerly Invitae), Labcorp
Classification: Uncertain significance for Juvenile polyposis syndrome. Last evaluated: 2023-12-12. Review status: criteria provided, single submitter. Criteria: Invitae Variant Classification Sherloc (09022015). Collection method: clinical testing. Allele origin: germline.
Comment: This sequence change replaces histidine, which is basic and polar, with tyrosine, which is neutral and polar, at codon 506 of the BMPR1A protein (p.His506Tyr). This variant is not present in population databases (gnomAD no frequency). This variant has not been reported in the literature in individuals affected with BMPR1A-related conditions. Advanced modeling of protein sequence and biophysical properties (such as structural, functional, and spatial information, amino acid conservation, physicochemical variation, residue mobility, and thermodynamic stability) performed at Invitae indicates that this missense variant is not expected to disrupt BMPR1A protein function with a negative predictive value of 80%. In summary, the available evidence is currently insufficient to determine the role of this variant in disease. Therefore, it has been classified as a Variant of Uncertain Significance.

NM_004329.3(BMPR1A):c.1516C>T (p.His506Tyr)

Gene: BMPR1A (bone morphogenetic protein receptor type 1A; plus strand). Cytogenetic location: 10q23.2.
Variant type: single nucleotide variant.
Coding change: c.1516C>T on transcript NM_004329.3 (MANE Select); coding-DNA position 1516, C replaced by T.
Protein change: p.His506Tyr; replaces histidine 506 with tyrosine.
Molecular consequence: missense variant. On other transcripts: non-coding transcript variant (3).
Genome position (GRCh38, 1-based): chr10:86,923,636, C>T. VCF-style: chr10-86923636-C-T. GRCh37 (hg19) VCF-style: chr10-88683393-C-T.
Other names: c.1591C>T, p.His531Tyr (NM_001406559.1); c.1564C>T, p.His522Tyr (NM_001406560.1); c.1516C>T, p.His506Tyr (NM_001406561.1, NM_001406562.1, NM_001406563.1 and 19 more transcripts); c.1510C>T, p.His504Tyr (NM_001406583.1); c.1432C>T, p.His478Tyr (NM_001406584.1, NM_001406585.1, NM_001406586.1 and 2 more transcripts); c.1174C>T, p.His392Tyr (NM_001406589.1); short protein forms H392Y, H506Y, H504Y, H531Y, H478Y, H522Y.
Identifiers: ClinVar variation 2792443 (VCV002792443.4), dbSNP rs2539651696, ClinGen allele CA377463809.